The following is an entry in ClinVar:

ClinVar aggregate classification (germline): Uncertain significance (1 of 4 stars; one submission).

Conditions:
Idiopathic Pulmonary Fibrosis. Also called: Idiopathic fibrosing alveolitis, chronic form; idiopathic fibrosing alveolitis. Identifiers: Orphanet 2032, MedGen C1800706, MeSH D054990, MONDO:0800504.
Dyskeratosis congenita, autosomal dominant 2. Identifiers: MedGen C3151443, MONDO:0013521, OMIM 613989.

Submission:

Labcorp Genetics (formerly Invitae), Labcorp
Classification: Uncertain significance for Dyskeratosis congenita, autosomal dominant 2; Idiopathic Pulmonary Fibrosis. Last evaluated: 2022-03-20. Review status: criteria provided, single submitter. Criteria: Invitae Variant Classification Sherloc (09022015). Collection method: clinical testing. Allele origin: germline.
Comment: This sequence change replaces alanine, which is neutral and non-polar, with valine, which is neutral and non-polar, at codon 228 of the TERT protein (p.Ala228Val). This variant is not present in population databases (gnomAD no frequency). This variant has not been reported in the literature in individuals affected with TERT-related conditions. Advanced modeling of protein sequence and biophysical properties (such as structural, functional, and spatial information, amino acid conservation, physicochemical variation, residue mobility, and thermodynamic stability) performed at Invitae indicates that this missense variant is not expected to disrupt TERT protein function. In summary, the available evidence is currently insufficient to determine the role of this variant in disease. Therefore, it has been classified as a Variant of Uncertain Significance.

NM_198253.3(TERT):c.683C>T (p.Ala228Val)

Gene: TERT (telomerase reverse transcriptase; minus strand). Cytogenetic location: 5p15.33.
Variant type: single nucleotide variant.
Coding change: c.683C>T on transcript NM_198253.3 (MANE Select); coding-DNA position 683, C replaced by T.
Protein change: p.Ala228Val; replaces alanine 228 with valine.
Molecular consequence: missense variant. On other transcripts: non-coding transcript variant (2).
Genome position (GRCh38, 1-based): chr5:1,294,203, G>A on the plus strand (C>T on the coding strand, the complement: TERT is on the minus strand). VCF-style: chr5-1294203-G-A. GRCh37 (hg19) VCF-style: chr5-1294318-G-A.
Other names: c.683C>T, p.Ala228Val (NM_001193376.3, NM_003219.1); short protein forms A228V.
Identifiers: ClinVar variation 2114855 (VCV002114855.4), dbSNP rs2478422049, ClinGen allele CA359057033.
Genomic context (GRCh38, chr5:1,294,203, plus strand): 5'-CGCTCCGGCTCAGGGGCAGCGCCACGCCTGGGCCTCTTGGGCAACGGCAGACTTCGGCTG[G>A]CACTGCCCCCGCGCCTCCTCGCACCCGGGGCTGGCAGGCCCAGGGGGACCCCGGCCTCCC-3'
Protein context (NP_937983.2, residues 218-238): APGARRRGGS[Ala228Val]SRSLPLPKRP